The following is an entry in ClinVar:

NM_000246.4(CIITA):c.370C>A (p.Pro124Thr)

Gene: CIITA (class II major histocompatibility complex transactivator; plus strand). Cytogenetic location: 16p13.13.
Variant type: single nucleotide variant.
Coding change: c.370C>A on transcript NM_000246.4 (MANE Select); coding-DNA position 370, C replaced by A.
Protein change: p.Pro124Thr; replaces proline 124 with threonine.
Molecular consequence: missense variant. On other transcripts: non-coding transcript variant (1).
Genome position (GRCh38, 1-based): chr16:10,898,936, C>A. VCF-style: chr16-10898936-C-A. GRCh37 (hg19) VCF-style: chr16-10992793-C-A.
Other names: c.373C>A, p.Pro125Thr (NM_001286402.1, NM_001379330.1, NM_001379332.1); c.370C>A, p.Pro124Thr (NM_001286403.2, NM_001379331.1, NM_001379333.1); c.301C>A, p.Pro101Thr (NM_001379334.1); short protein forms P124T, P125T, P101T.
Identifiers: ClinVar variation 528788 (VCV000528788.17), dbSNP rs77169590, ClinGen allele CA7899693.

ClinVar aggregate classification (germline): Benign/Likely benign. Review status: criteria provided, multiple submitters, no conflicts (2 of 4 stars). 5 submissions from 5 submitters: Benign (2); Likely benign (2). 1 of the submissions does not count toward it. Last evaluated 2026-06-01.

Conditions:
MHC class II deficiency. Also called: Bare lymphocyte syndrome 2; BLS, TYPE II. Identifiers: Orphanet 572, MedGen C5447452, MONDO:0008855.
CIITA-related disorder. Also called: CIITA-related condition.

Allele frequency attached by ClinVar (database versions not stated): gnomAD exomes 0.00106; ExAC 0.00128; gnomAD 0.00373 and 0.00403; 1000 Genomes Project 30x 0.00422; ESP Exome Variant Server 0.00423; 1000 Genomes Project 0.00439; TOPMed 0.00440.
gnomAD v4.1: 1,139 of 1,613,836 alleles (0.071%); highest among the groups gnomAD compares: African/African-American, 1.4%; 6 homozygotes.

Submissions (5):

CeGaT Center for Human Genetics Tuebingen
Classification: Likely benign. Last evaluated: 2026-06-01. Review status: criteria provided, single submitter. Criteria: CeGaT Center For Human Genetics Tuebingen Variant Classification Criteria Version 2. Collection method: clinical testing. Allele origin: germline. Affected: yes. Observed: 1 variant allele.
Comment: CIITA: BP4, BS1

Labcorp Genetics (formerly Invitae), Labcorp
Classification: Benign for MHC class II deficiency. Last evaluated: 2026-01-26. Review status: criteria provided, single submitter. Criteria: Invitae Variant Classification Sherloc (09022015). Collection method: clinical testing. Allele origin: germline.

Blueprint Genetics
Classification: Likely benign. Last evaluated: 2024-11-06. Review status: criteria provided, single submitter. Criteria: ACMG Guidelines, 2015. Collection method: clinical testing. Allele origin: germline.

Breakthrough Genomics
Classification: Benign. Review status: criteria provided, single submitter. Criteria: ACMG Guidelines, 2015. Collection method: not provided. Allele origin: germline. Inheritance: Autosomal recessive inheritance. Affected: yes.

PreventionGenetics, part of Exact Sciences
Classification: Benign for CIITA-related condition. Last evaluated: 2019-07-11. Review status: no assertion criteria provided. Collection method: clinical testing. Allele origin: germline. Not counted in ClinVar's aggregate classification.
Comment: This variant is classified as benign based on ACMG/AMP sequence variant interpretation guidelines (Richards et al. 2015 PMID: 25741868, with internal and published modifications).